The following is an entry in ClinVar:

NC_000001.11:g.(?_216289280)_(216292370_?)del

Gene: USH2A (usherin; minus strand). Cytogenetic location: 1q41.
Variant type: Deletion.
Identifiers: ClinVar variation 832899 (VCV000832899.1).

ClinVar aggregate classification (germline): Pathogenic (1 of 4 stars; one submission).

Submission:

Labcorp Genetics (formerly Invitae), Labcorp
Classification: Pathogenic. Last evaluated: 2019-11-24. Review status: criteria provided, single submitter. Criteria: Invitae Variant Classification Sherloc (09022015). Collection method: clinical testing. Allele origin: germline.
Comment: This variant is an in-frame deletion of the genomic region encompassing exons 10-11 of the USH2A gene. It preserves the integrity of the reading frame. A similar deletion of exons 10-11 has been reported in individuals affected with Usher syndrome (PMID: 29655801, 24944099). In at least one individual the data is consistent with the variant being in trans (on the opposite chromosome) from a pathogenic variant. For these reasons, this variant has been classified as Pathogenic.

Literature cited by the submitters: PubMed 29655801; PubMed 24944099.